The following is an entry in ClinVar:

ClinVar aggregate classification (germline): Uncertain significance. Review status: criteria provided, multiple submitters, no conflicts (2 of 4 stars). 2 submissions from 2 submitters: Uncertain significance (2). Last evaluated 2022-03-07.

Conditions:
Idiopathic generalized epilepsy. Also called: Generalised epilepsy; EIG. Identifiers: MedGen C0270850, MONDO:0005579, OMIM 600669.
Hyperaldosteronism, familial, type IV (HALD4). Also called: FH IV; ALDOSTERONISM, PRIMARY, AND HYPERTENSION. Identifiers: Orphanet 642671, MedGen C4310756, MONDO:0014875, OMIM 617027.

Allele frequency attached by ClinVar (database versions not stated): gnomAD exomes below 0.00001.
gnomAD v4.1: 2 of 1,602,814 alleles (0.00012%); highest among the groups gnomAD compares: East Asian, 0.0022%; no homozygotes.

Submissions (2):

Blueprint Genetics
Classification: Uncertain significance. Last evaluated: 2022-03-07. Review status: criteria provided, single submitter. Criteria: ACMG Guidelines, 2015. Collection method: clinical testing. Allele origin: germline.

Labcorp Genetics (formerly Invitae), Labcorp
Classification: Uncertain significance for Idiopathic generalized epilepsy; Hyperaldosteronism, familial, type IV. Last evaluated: 2020-03-04. Review status: criteria provided, single submitter. Criteria: Invitae Variant Classification Sherloc (09022015). Collection method: clinical testing. Allele origin: germline.
Comment: In summary, the available evidence is currently insufficient to determine the role of this variant in disease. Therefore, it has been classified as a Variant of Uncertain Significance. The current clinical and genetic evidence is not sufficient to establish whether loss-of-function variants in CACNA1H cause disease. This variant has not been reported in the literature in individuals with CACNA1H-related disease. This variant is not present in population databases (ExAC no frequency). This sequence change affects a donor splice site in intron 25 of the CACNA1H gene. It is expected to disrupt RNA splicing and likely results in an absent or disrupted protein product.

NM_021098.3(CACNA1H):c.4759+1G>A

Gene: CACNA1H (calcium voltage-gated channel subunit alpha1 H; plus strand). Cytogenetic location: 16p13.3.
Variant type: single nucleotide variant.
Coding change: c.4759+1G>A on transcript NM_021098.3 (MANE Select); the canonical splice donor site of the intron after coding-DNA position 4759, G replaced by A.
Molecular consequence: splice donor variant.
Genome position (GRCh38, 1-based): chr16:1,212,139, G>A. VCF-style: chr16-1212139-G-A. GRCh37 (hg19) VCF-style: chr16-1262139-G-A.
Other names: c.4759+1G>A (NM_001005407.2).
Identifiers: ClinVar variation 529575 (VCV000529575.8), dbSNP rs1406256818, ClinGen allele CA394181255.